The following is an entry in ClinVar:

ClinVar aggregate classification (germline): Uncertain significance. Review status: criteria provided, multiple submitters, no conflicts (2 of 4 stars). 3 submissions from 3 submitters: Uncertain significance (3). Last evaluated 2025-05-05.

Conditions:
Dilated Cardiomyopathy, Dominant.
Myofibrillar myopathy 5. Also called: FILAMINOPATHY, AUTOSOMAL DOMINANT; Filaminopathy (type). Identifiers: Orphanet 171445, MedGen C1836050, MONDO:0012289, OMIM 609524.
Distal myopathy with posterior leg and anterior hand involvement. Also called: WILLIAMS DISTAL MYOPATHY. Identifiers: Orphanet 63273, MedGen C3279722, MONDO:0013550, OMIM 614065.
Hypertrophic cardiomyopathy 26. Also called: Cardiomyopathy, familial hypertrophic, 26. Identifiers: Orphanet 75249, MedGen C4310749, MONDO:0014883, OMIM 617047.
Cardiovascular phenotype. Identifiers: MedGen CN230736.

gnomAD v4.1: 8 of 1,613,856 alleles (0.0005%); highest among the groups gnomAD compares: Middle Eastern, 0.099%; no homozygotes.

Submissions (3):

Ambry Genetics
Classification: Uncertain significance for Cardiovascular phenotype. Last evaluated: 2025-05-05. Review status: criteria provided, single submitter. Criteria: Ambry Variant Classification Scheme 2023. Collection method: clinical testing. Allele origin: germline.
Comment: The p.K734N variant (also known as c.2202G>C), located in coding exon 14 of the FLNC gene, results from a G to C substitution at nucleotide position 2202. The lysine at codon 734 is replaced by asparagine, an amino acid with similar properties. This amino acid position is highly conserved in available vertebrate species. In addition, this alteration is predicted to be tolerated by in silico analysis. Since supporting evidence is limited at this time, the clinical significance of this alteration remains unclear.

GeneDx
Classification: Uncertain significance. Last evaluated: 2024-08-07. Review status: criteria provided, single submitter. Criteria: GeneDx Variant Classification Process June 2021. Collection method: clinical testing. Allele origin: germline. Affected: yes.
Comment: Has not been previously published as pathogenic or benign to our knowledge; In silico analysis supports that this missense variant has a deleterious effect on protein structure/function

Labcorp Genetics (formerly Invitae), Labcorp
Classification: Uncertain significance for Distal myopathy with posterior leg and anterior hand involvement; Myofibrillar myopathy 5; Hypertrophic cardiomyopathy 26. Last evaluated: 2022-09-13. Review status: criteria provided, single submitter. Criteria: Invitae Variant Classification Sherloc (09022015). Collection method: clinical testing. Allele origin: germline.
Comment: In summary, the available evidence is currently insufficient to determine the role of this variant in disease. Therefore, it has been classified as a Variant of Uncertain Significance. Advanced modeling of protein sequence and biophysical properties (such as structural, functional, and spatial information, amino acid conservation, physicochemical variation, residue mobility, and thermodynamic stability) has been performed at Invitae for this missense variant, however the output from this modeling did not meet the statistical confidence thresholds required to predict the impact of this variant on FLNC protein function. ClinVar contains an entry for this variant (Variation ID: 967379). This variant has not been reported in the literature in individuals affected with FLNC-related conditions. This variant is present in population databases (rs769984017, gnomAD 0.0009%). This sequence change replaces lysine, which is basic and polar, with asparagine, which is neutral and polar, at codon 734 of the FLNC protein (p.Lys734Asn).

NM_001458.5(FLNC):c.2202G>C (p.Lys734Asn)

Gene: FLNC (filamin C; plus strand). Cytogenetic location: 7q32.1.
Variant type: single nucleotide variant.
Coding change: c.2202G>C on transcript NM_001458.5 (MANE Select); coding-DNA position 2202, G replaced by C.
Protein change: p.Lys734Asn; replaces lysine 734 with asparagine.
Molecular consequence: missense variant.
Genome position (GRCh38, 1-based): chr7:128,842,311, G>C. VCF-style: chr7-128842311-G-C. GRCh37 (hg19) VCF-style: chr7-128482365-G-C.
Other names: c.2202G>C, p.Lys734Asn (NM_001127487.2); short protein forms K734N.
Identifiers: ClinVar variation 967379 (VCV000967379.15), dbSNP rs769984017, ClinGen allele CA4474637.